The following is an entry in ClinVar:

ClinVar aggregate classification (germline): Likely benign (1 of 4 stars; one submission).

Allele frequency attached by ClinVar (database versions not stated): ExAC 0.00432.

Submission:

CeGaT Center for Human Genetics Tuebingen
Classification: Likely benign. Last evaluated: 2023-08-01. Review status: criteria provided, single submitter. Criteria: CeGaT Center For Human Genetics Tuebingen Variant Classification Criteria Version 2. Collection method: clinical testing. Allele origin: germline. Affected: yes. Observed: 2 variant alleles.
Comment: MUC4: BP4, BS2

NM_018406.7(MUC4):c.7750T>G (p.Ser2584Ala)

Gene: MUC4 (mucin 4, cell surface associated). Cytogenetic location: 3q29.
Variant type: single nucleotide variant.
Coding change: c.7750T>G on transcript NM_018406.7 (MANE Select); coding-DNA position 7750, T replaced by G.
Protein change: p.Ser2584Ala; replaces serine 2584 with alanine.
Molecular consequence: missense variant. On other transcripts: genic upstream transcript variant (2).
Genome position (GRCh38, 1-based): chr3:195,783,830, A>C on the plus strand (T>G on the coding strand, the complement: MUC4 is on the minus strand). VCF-style: chr3-195783830-A-C. GRCh37 (hg19) VCF-style: chr3-195510701-A-C.
Other names: c.11125T>G, p.Ser3709Ala (NM_001322468.1); c.83-9525T>G (NM_138297.5); c.83-5375T>G (NM_004532.6); short protein forms S2584A, S3709A.
Identifiers: ClinVar variation 2654461 (VCV002654461.24), dbSNP rs76839144, ClinGen allele CA2772030.